The following is an entry in ClinVar:

ClinVar aggregate classification (germline): Conflicting classifications of pathogenicity. Review status: criteria provided, conflicting classifications (1 of 4 stars). 4 submissions from 4 submitters: Uncertain significance (2); Likely benign (1). 1 of the submissions does not count toward it. Last evaluated 2025-12-30.

Conditions:
Autosomal recessive limb-girdle muscular dystrophy type 2C (LGMDR5). Also called: MUSCULAR DYSTROPHY, DUCHENNE-LIKE; MUSCULAR DYSTROPHY, LIMB-GIRDLE, AUTOSOMAL RECESSIVE 5. Identifiers: Orphanet 353, MedGen C0410173, MONDO:0009677, OMIM 253700. Disease mechanism: Affects gamma-sarcoglycan and also disrupts the integrity of the entire sarcoglycan complex..

Allele frequency attached by ClinVar (database versions not stated): gnomAD 0.00008 and 0.00009; TOPMed 0.00016; ExAC 0.00019; gnomAD exomes 0.00021.
gnomAD v4.1: 181 of 1,612,636 alleles (0.011%); highest among the groups gnomAD compares: East Asian, 0.096%; 1 homozygote.

Submissions (4):

Labcorp Genetics (formerly Invitae), Labcorp
Classification: Likely benign for Autosomal recessive limb-girdle muscular dystrophy type 2C. Last evaluated: 2025-12-30. Review status: criteria provided, single submitter. Criteria: Invitae Variant Classification Sherloc (09022015). Collection method: clinical testing. Allele origin: germline.

GeneDx
Classification: Uncertain significance. Last evaluated: 2025-05-13. Review status: criteria provided, single submitter. Criteria: GeneDx Variant Classification Process June 2021. Collection method: clinical testing. Allele origin: germline. Affected: yes.
Comment: Missense variants in this gene are a common cause of disease and they are underrepresented in the general population; In silico analysis supports that this missense variant has a deleterious effect on protein structure/function; Has not been previously published as pathogenic or benign to our knowledge

Revvity Omics, Revvity
Classification: Uncertain significance for Autosomal recessive limb-girdle muscular dystrophy type 2C. Last evaluated: 2020-08-18. Review status: criteria provided, single submitter. Criteria: ACMG Guidelines, 2015. Collection method: clinical testing. Allele origin: germline.

Natera, Inc.
Classification: Likely benign for Limb-girdle muscular dystrophy type 2C. Last evaluated: 2020-08-11. Review status: no assertion criteria provided. Collection method: clinical testing. Allele origin: germline. Not counted in ClinVar's aggregate classification.

NM_000231.3(SGCG):c.497G>A (p.Arg166Gln)

Gene: SGCG (sarcoglycan gamma; plus strand). Cytogenetic location: 13q12.12.
Variant type: single nucleotide variant.
Coding change: c.497G>A on transcript NM_000231.3 (MANE Select); coding-DNA position 497, G replaced by A.
Protein change: p.Arg166Gln; replaces arginine 166 with glutamine.
Molecular consequence: missense variant.
Genome position (GRCh38, 1-based): chr13:23,279,470, G>A. VCF-style: chr13-23279470-G-A. GRCh37 (hg19) VCF-style: chr13-23853609-G-A.
Other names: c.551G>A, p.Arg184Gln (NM_001378244.1); c.497G>A, p.Arg166Gln (NM_001378245.1, NM_001378246.1); short protein forms R166Q, R184Q.
Identifiers: ClinVar variation 530807 (VCV000530807.18), dbSNP rs776289036, ClinGen allele CA6909702.